The following is an entry in ClinVar:

ClinVar aggregate classification (germline): Uncertain significance. Review status: criteria provided, multiple submitters, no conflicts (2 of 4 stars). 2 submissions from 2 submitters: Uncertain significance (2). Last evaluated 2025-08-29.

Conditions:
Granulomatous disease, chronic, autosomal recessive, cytochrome b-positive, type 2. Also called: Chronic granulomatous disease due to deficiency of NCF-2; CGD, AUTOSOMAL RECESSIVE CYTOCHROME b-POSITIVE, TYPE II; GRANULOMATOUS DISEASE, CHRONIC, DUE TO NCF2 DEFICIENCY; GRANULOMATOUS DISEASE, CHRONIC, AUTOSOMAL RECESSIVE, 2; Chronic Granulomatous Disease, Autosomal Recessive, Cytochrome b-Positive, Type II. Identifiers: Orphanet 379, MedGen C1856245, MONDO:0009310, OMIM 233710.

Allele frequency attached by ClinVar (database versions not stated): gnomAD below 0.00001 and 0.00001; ExAC 0.00001; gnomAD exomes 0.00001 and 0.00002.

Submissions (2):

GeneDx
Classification: Uncertain significance. Last evaluated: 2025-08-29. Review status: criteria provided, single submitter. Criteria: GeneDx Variant Classification Process June 2021. Collection method: clinical testing. Allele origin: germline. Affected: yes.
Comment: In silico analysis supports that this missense variant has a deleterious effect on protein structure/function; Has not been previously published as pathogenic or benign to our knowledge

Labcorp Genetics (formerly Invitae), Labcorp
Classification: Uncertain significance for Granulomatous disease, chronic, autosomal recessive, cytochrome b-positive, type 2. Last evaluated: 2021-08-30. Review status: criteria provided, single submitter. Criteria: Invitae Variant Classification Sherloc (09022015). Collection method: clinical testing. Allele origin: germline.
Comment: This sequence change replaces histidine with tyrosine at codon 357 of the NCF2 protein (p.His357Tyr). The histidine residue is highly conserved and there is a moderate physicochemical difference between histidine and tyrosine. This variant is present in population databases (rs765400770, ExAC 0.006%). This variant has not been reported in the literature in individuals affected with NCF2-related conditions. ClinVar contains an entry for this variant (Variation ID: 450206). Algorithms developed to predict the effect of missense changes on protein structure and function are either unavailable or do not agree on the potential impact of this missense change (SIFT: "Tolerated"; PolyPhen-2: "Probably Damaging"; Align-GVGD: "Class C0"). In summary, the available evidence is currently insufficient to determine the role of this variant in disease. Therefore, it has been classified as a Variant of Uncertain Significance.

NM_000433.4(NCF2):c.1069C>T (p.His357Tyr)

Gene: NCF2 (neutrophil cytosolic factor 2; minus strand). Cytogenetic location: 1q25.3.
Variant type: single nucleotide variant.
Coding change: c.1069C>T on transcript NM_000433.4 (MANE Select); coding-DNA position 1069, C replaced by T.
Protein change: p.His357Tyr; replaces histidine 357 with tyrosine.
Molecular consequence: missense variant.
Genome position (GRCh38, 1-based): chr1:183,563,543, G>A on the plus strand (C>T on the coding strand, the complement: NCF2 is on the minus strand). VCF-style: chr1-183563543-G-A. GRCh37 (hg19) VCF-style: chr1-183532678-G-A.
Other names: c.1069C>T, p.His357Tyr (NM_001127651.3); c.826C>T, p.His276Tyr (NM_001190789.2); c.934C>T, p.His312Tyr (NM_001190794.2); short protein forms H357Y, H312Y, H276Y.
Identifiers: ClinVar variation 450206 (VCV000450206.8), dbSNP rs765400770, ClinGen allele CA1284687.